The following is an entry in ClinVar:

NM_003072.5(SMARCA4):c.895C>T (p.Pro299Ser)

Gene: SMARCA4 (SWI/SNF related BAF chromatin remodeling complex subunit ATPase 4; plus strand). Cytogenetic location: 19p13.2.
Variant type: single nucleotide variant.
Coding change: c.895C>T on transcript NM_003072.5 (MANE Select); coding-DNA position 895, C replaced by T.
Protein change: p.Pro299Ser; replaces proline 299 with serine.
Molecular consequence: missense variant. On other transcripts: non-coding transcript variant (1).
Genome position (GRCh38, 1-based): chr19:10,987,701, C>T. VCF-style: chr19-10987701-C-T. GRCh37 (hg19) VCF-style: chr19-11098377-C-T.
Other names: c.895C>T, p.Pro299Ser (NM_001128844.3, NM_001128845.2, NM_001128846.2 and 4 more transcripts); short protein forms P299S.
Identifiers: ClinVar variation 961959 (VCV000961959.13), dbSNP rs2086180113, ClinGen allele CA404058413.

ClinVar aggregate classification (germline): Uncertain significance. Review status: criteria provided, multiple submitters, no conflicts (2 of 4 stars). 2 submissions from 2 submitters: Uncertain significance (2). Last evaluated 2024-12-18.

Conditions:
Hereditary cancer-predisposing syndrome. Also called: Tumor predisposition; Hereditary neoplastic syndrome; Hereditary Cancer Syndrome; Neoplastic Syndromes, Hereditary. Identifiers: Orphanet 140162, MedGen C0027672, MeSH D009386, MONDO:0015356.
Rhabdoid tumor predisposition syndrome 2 (RTPS2). Identifiers: Orphanet 231108, Orphanet 69077, MedGen C2750074, MONDO:0013224, OMIM 613325.

Submissions (2):

Ambry Genetics
Classification: Uncertain significance for Hereditary cancer-predisposing syndrome. Last evaluated: 2024-12-18. Review status: criteria provided, single submitter. Criteria: Ambry Variant Classification Scheme 2023. Collection method: clinical testing. Allele origin: germline.
Comment: The p.P299S variant (also known as c.895C>T), located in coding exon 5 of the SMARCA4 gene, results from a C to T substitution at nucleotide position 895. The proline at codon 299 is replaced by serine, an amino acid with similar properties. This amino acid position is highly conserved in available vertebrate species. In addition, the in silico prediction for this alteration is inconclusive. Based on the available evidence, the clinical significance of this variant remains unclear.

Labcorp Genetics (formerly Invitae), Labcorp
Classification: Uncertain significance for Rhabdoid tumor predisposition syndrome 2. Last evaluated: 2019-08-22. Review status: criteria provided, single submitter. Criteria: Invitae Variant Classification Sherloc (09022015). Collection method: clinical testing. Allele origin: germline.
Comment: In summary, the available evidence is currently insufficient to determine the role of this variant in disease. Therefore, it has been classified as a Variant of Uncertain Significance. Algorithms developed to predict the effect of missense changes on protein structure and function are either unavailable or do not agree on the potential impact of this missense change (SIFT: "Deleterious"; PolyPhen-2: "Benign"; Align-GVGD: "Class C0"). This variant has not been reported in the literature in individuals with SMARCA4-related conditions. This variant is not present in population databases (ExAC no frequency). This sequence change replaces proline with serine at codon 299 of the SMARCA4 protein (p.Pro299Ser). The proline residue is highly conserved and there is a moderate physicochemical difference between proline and serine.